The following is an entry in ClinVar:

NM_004606.5(TAF1):c.596C>G (p.Thr199Arg)

Gene: TAF1 (TATA-box binding protein associated factor 1; plus strand). Cytogenetic location: Xq13.1.
Variant type: single nucleotide variant.
Coding change: c.596C>G on transcript NM_004606.5 (MANE Select); coding-DNA position 596, C replaced by G.
Protein change: p.Thr199Arg; replaces threonine 199 with arginine.
Molecular consequence: missense variant. On other transcripts: non-coding transcript variant (9).
Genome position (GRCh38, 1-based): chrX:71,377,073, C>G. VCF-style: chrX-71377073-C-G. GRCh37 (hg19) VCF-style: chrX-70596923-C-G.
Other names: c.596C>G, p.Thr199Arg (NM_001286074.2); c.533C>G, p.Thr178Arg (NM_138923.4); short protein forms T178R, T199R.
Identifiers: ClinVar variation 1683872 (VCV001683872.2), dbSNP rs2148222362, ClinGen allele CA413506244.

ClinVar aggregate classification (germline): Uncertain significance (1 of 4 stars; one submission).

Submission:

GeneDx
Classification: Uncertain significance. Last evaluated: 2021-10-27. Review status: criteria provided, single submitter. Criteria: GeneDx Variant Classification Process June 2021. Collection method: clinical testing. Allele origin: germline. Affected: yes.
Comment: Not observed at significant frequency in large population cohorts (gnomAD); In silico analysis supports that this missense variant does not alter protein structure/function; Has not been previously published as pathogenic or benign to our knowledge